The following is an entry in ClinVar:

ClinVar aggregate classification (germline): Uncertain significance (1 of 4 stars; one submission).

Conditions:
Hereditary cancer-predisposing syndrome. Also called: Neoplastic Syndromes, Hereditary; Tumor predisposition; Hereditary Cancer Syndrome; Hereditary neoplastic syndrome. Identifiers: Orphanet 140162, MedGen C0027672, MeSH D009386, MONDO:0015356.

Allele frequency attached by ClinVar (database versions not stated): ExAC 0.00001.
gnomAD v4.1: 1 of 1,614,044 alleles (0.000062%); no homozygotes.

Submission:

Ambry Genetics
Classification: Uncertain significance for Hereditary cancer-predisposing syndrome. Last evaluated: 2024-12-19. Review status: criteria provided, single submitter. Criteria: Ambry Variant Classification Scheme 2023. Collection method: clinical testing. Allele origin: germline.
Comment: The p.N97K variant (also known as c.291C>G), located in coding exon 3 of the BRIP1 gene, results from a C to G substitution at nucleotide position 291. The asparagine at codon 97 is replaced by lysine, an amino acid with similar properties. This amino acid position is not well conserved in available vertebrate species. In addition, this alteration is predicted to be tolerated by in silico analysis. Since supporting evidence is limited at this time, the clinical significance of this alteration remains unclear.

NM_032043.3(BRIP1):c.291C>G (p.Asn97Lys)

Gene: BRIP1 (BRCA1 interacting DNA helicase 1; minus strand). Cytogenetic location: 17q23.2.
Variant type: single nucleotide variant.
Coding change: c.291C>G on transcript NM_032043.3 (MANE Select); coding-DNA position 291, C replaced by G.
Protein change: p.Asn97Lys; replaces asparagine 97 with lysine.
Molecular consequence: missense variant.
Genome position (GRCh38, 1-based): chr17:61,857,146, G>C on the plus strand (C>G on the coding strand, the complement: BRIP1 is on the minus strand). VCF-style: chr17-61857146-G-C. GRCh37 (hg19) VCF-style: chr17-59934507-G-C.
Other names: short protein forms N97K.
Identifiers: ClinVar variation 1797676 (VCV001797676.3), dbSNP rs766561078, ClinGen allele CA8690964.